The following is an entry in ClinVar:

ClinVar aggregate classification (germline): Uncertain significance (1 of 4 stars; one submission).

Allele frequency attached by ClinVar (database versions not stated): gnomAD 0.00001.
gnomAD v4.1: 8 of 1,612,928 alleles (0.0005%); highest among the groups gnomAD compares: Non-Finnish European, 0.00068%; no homozygotes.

Submission:

Labcorp Genetics (formerly Invitae), Labcorp
Classification: Uncertain significance. Last evaluated: 2025-03-10. Review status: criteria provided, single submitter. Criteria: Invitae Variant Classification Sherloc (09022015). Collection method: clinical testing. Allele origin: germline.
Comment: This sequence change replaces threonine, which is neutral and polar, with serine, which is neutral and polar, at codon 146 of the NUP62 protein (p.Thr146Ser). This variant is not present in population databases (gnomAD no frequency). This variant has not been reported in the literature in individuals affected with NUP62-related conditions. ClinVar contains an entry for this variant (Variation ID: 2807802). An algorithm developed to predict the effect of missense changes on protein structure and function outputs the following: PolyPhen-2: "Benign". The serine amino acid residue is found in multiple mammalian species, which suggests that this missense change does not adversely affect protein function. In summary, the available evidence is currently insufficient to determine the role of this variant in disease. Therefore, it has been classified as a Variant of Uncertain Significance.

NM_016553.5(NUP62):c.436A>T (p.Thr146Ser)

Genes: IL4I1 (interleukin 4 induced 1; minus strand), NUP62 (nucleoporin 62; minus strand). Cytogenetic location: 19q13.33.
Variant type: single nucleotide variant.
Coding change: c.436A>T on transcript NM_016553.5 (MANE Select); coding-DNA position 436, A replaced by T.
Protein change: p.Thr146Ser; replaces threonine 146 with serine.
Molecular consequence: missense variant. On other transcripts: intron variant (3).
Genome position (GRCh38, 1-based): chr19:49,909,372, T>A on the plus strand (A>T on the coding strand, the complement: NUP62 is on the minus strand). VCF-style: chr19-49909372-T-A. GRCh37 (hg19) VCF-style: chr19-50412629-T-A.
Other names: c.436A>T, p.Thr146Ser (NM_001193357.2, NM_012346.5, NM_153718.4 and 1 more transcripts); c.-227-5051A>T (NM_001258017.2, NM_172374.3); c.-285-5051A>T (NM_001258018.2); short protein forms T146S.
Identifiers: ClinVar variation 2807802 (VCV002807802.3), dbSNP rs1333308401, ClinGen allele CA406927179.